The following is an entry in ClinVar:

NM_002691.4(POLD1):c.181G>C (p.Val61Leu)

Gene: POLD1 (DNA polymerase delta 1, catalytic subunit; plus strand). Cytogenetic location: 19q13.33.
Variant type: single nucleotide variant.
Coding change: c.181G>C on transcript NM_002691.4 (MANE Select); coding-DNA position 181, G replaced by C.
Protein change: p.Val61Leu; replaces valine 61 with leucine.
Molecular consequence: missense variant. On other transcripts: non-coding transcript variant (1).
Genome position (GRCh38, 1-based): chr19:50,399,032, G>C. VCF-style: chr19-50399032-G-C. GRCh37 (hg19) VCF-style: chr19-50902289-G-C.
Other names: c.181G>C, p.Val61Leu (NM_001256849.1, NM_001308632.1); short protein forms V61L.
Identifiers: ClinVar variation 3642881 (VCV003642881.2).

ClinVar aggregate classification (germline): Uncertain significance (1 of 4 stars; one submission).

Conditions:
POLD1-related polyposis and colorectal cancer syndrome (CRCS10). Also called: Colorectal cancer 10; COLORECTAL CANCER, SUSCEPTIBILITY TO, ON CHROMOSOME 19q; Colorectal cancer, susceptibility to, 10. Identifiers: Orphanet 220460, MedGen C2675481, MONDO:0012953, OMIM 612591.

Submission:

Labcorp Genetics (formerly Invitae), Labcorp
Classification: Uncertain significance for POLD1-related polyposis and colorectal cancer syndrome. Last evaluated: 2024-02-23. Review status: criteria provided, single submitter. Criteria: Invitae Variant Classification Sherloc (09022015). Collection method: clinical testing. Allele origin: germline.
Comment: This sequence change replaces valine, which is neutral and non-polar, with leucine, which is neutral and non-polar, at codon 61 of the POLD1 protein (p.Val61Leu). This variant is not present in population databases (gnomAD no frequency). This variant has not been reported in the literature in individuals affected with POLD1-related conditions. Advanced modeling of protein sequence and biophysical properties (such as structural, functional, and spatial information, amino acid conservation, physicochemical variation, residue mobility, and thermodynamic stability) performed at Invitae indicates that this missense variant is not expected to disrupt POLD1 protein function with a negative predictive value of 80%. In summary, the available evidence is currently insufficient to determine the role of this variant in disease. Therefore, it has been classified as a Variant of Uncertain Significance.